The following is an entry in ClinVar:

ClinVar aggregate classification (germline): Uncertain significance (1 of 4 stars; one submission).

Submission:

GeneDx
Classification: Uncertain significance. Last evaluated: 2024-06-24. Review status: criteria provided, single submitter. Criteria: GeneDx Variant Classification Process June 2021. Collection method: clinical testing. Allele origin: germline. Affected: yes.
Comment: In-frame deletion of 1 amino acids in a repetitive region with no known function; In silico analysis supports a deleterious effect on protein structure/function; Not observed at significant frequency in large population cohorts (gnomAD); Has not been previously published as pathogenic or benign to our knowledge

NM_022552.5(DNMT3A):c.1583ACG[3] (p.Asp531del)

Gene: DNMT3A (DNA methyltransferase 3 alpha; minus strand). Cytogenetic location: 2p23.3.
Variant type: Microsatellite.
Coding change: c.1583ACG[3] on transcript NM_022552.5 (MANE Select); three copies in a row of the 3-base unit ACG starting at c.1583; the reference has four copies in a row; one copy, 3 bases deleted.
Protein change: p.Asp531del; deletes aspartic acid 531.
Molecular consequence: inframe deletion. On other transcripts: non-coding transcript variant (1).
Genome position (GRCh38, 1-based): chr2:25,244,613-25,244,615, CGT deleted on the plus strand (ACG on the coding strand, the reverse complement: DNMT3A is on the minus strand); deleting any 3 consecutive bases within chr2:25,244,613-25,244,624 gives the same sequence; the position shown is the placement nearest the transcript's 3' end. VCF-style (leftmost placement, unchanged base first): chr2-25244612-CCGT-C. GRCh37 (hg19) VCF-style: chr2-25467481-CCGT-C.
Other names: c.1127ACG[3], p.Asp379del (NM_001320893.1); c.914ACG[3], p.Asp308del (NM_001375819.1); c.1016ACG[3], p.Asp342del (NM_153759.3); c.1583ACG[3], p.Asp531del (NM_175629.2); c.1592_1594del (NM_175629.2); short protein forms D308del, D342del, D379del, D531del.
Identifiers: ClinVar variation 3392615 (VCV003392615.1).